The following is an entry in ClinVar:

ClinVar aggregate classification (germline): Uncertain significance. Review status: criteria provided, multiple submitters, no conflicts (2 of 4 stars). 2 submissions from 2 submitters: Uncertain significance (2). Last evaluated 2024-08-07.

Conditions:
Inborn genetic diseases. Identifiers: MedGen C0950123, MeSH D030342.

Allele frequency attached by ClinVar (database versions not stated): TOPMed 0.00002.
gnomAD v4.1: 65 of 1,613,286 alleles (0.004%); highest among the groups gnomAD compares: Admixed American, 0.032%; no homozygotes.

Submissions (2):

Ambry Genetics
Classification: Uncertain significance for Inborn genetic diseases. Last evaluated: 2024-08-07. Review status: criteria provided, single submitter. Criteria: Ambry Variant Classification Scheme 2023. Collection method: clinical testing. Allele origin: germline.

Labcorp Genetics (formerly Invitae), Labcorp
Classification: Uncertain significance. Last evaluated: 2021-11-05. Review status: criteria provided, single submitter. Criteria: Invitae Variant Classification Sherloc (09022015). Collection method: clinical testing. Allele origin: germline.
Comment: This sequence change replaces arginine, which is basic and polar, with histidine, which is basic and polar, at codon 6 of the MYO18B protein (p.Arg6His). This variant is present in population databases (rs775888404, gnomAD 0.03%). This variant has not been reported in the literature in individuals affected with MYO18B-related conditions. Algorithms developed to predict the effect of missense changes on protein structure and function are either unavailable or do not agree on the potential impact of this missense change (SIFT: "Not Available"; PolyPhen-2: "Possibly Damaging"; Align-GVGD: "Not Available"). In summary, the available evidence is currently insufficient to determine the role of this variant in disease. Therefore, it has been classified as a Variant of Uncertain Significance.

NM_032608.7(MYO18B):c.17G>A (p.Arg6His)

Gene: MYO18B (myosin XVIIIB; plus strand). Cytogenetic location: 22q12.1.
Variant type: single nucleotide variant.
Coding change: c.17G>A on transcript NM_032608.7 (MANE Select); coding-DNA position 17, G replaced by A.
Protein change: p.Arg6His; replaces arginine 6 with histidine.
Molecular consequence: missense variant.
Genome position (GRCh38, 1-based): chr22:25,761,109, G>A. VCF-style: chr22-25761109-G-A. GRCh37 (hg19) VCF-style: chr22-26157076-G-A.
Other names: c.17G>A, p.Arg6His (NM_001318245.2); c.17G>A (NM_032608.5); short protein forms R6H.
Identifiers: ClinVar variation 1482876 (VCV001482876.4), dbSNP rs775888404, ClinGen allele CA10159430.